The following is an entry in ClinVar:

NM_001330360.2(POLA1):c.2841+74G>A

Gene: POLA1 (DNA polymerase alpha 1, catalytic subunit; plus strand). Cytogenetic location: Xp22.11.
Variant type: single nucleotide variant.
Coding change: c.2841+74G>A on transcript NM_001330360.2 (MANE Select); 74 bases into the intron after coding-DNA position 2841, G replaced by A.
Molecular consequence: intron variant.
Genome position (GRCh38, 1-based): chrX:24,748,534, G>A. VCF-style: chrX-24748534-G-A. GRCh37 (hg19) VCF-style: chrX-24766651-G-A.
Other names: c.2766+74G>A (NM_001378303.1); c.2823+74G>A (NM_016937.4).
Identifiers: ClinVar variation 2688289 (VCV002688289.2), dbSNP rs3764770, ClinGen allele CA326922866.

ClinVar aggregate classification (germline): Benign (1 of 4 stars; one submission).

Allele frequency attached by ClinVar (database versions not stated): TOPMed 0.47051; gnomAD 0.47869; 1000 Genomes Project 30x 0.49199; 1000 Genomes Project 0.49589.

Submission:

Unidad de Genómica Garrahan, Hospital de Pediatría Garrahan
Classification: Benign. Last evaluated: 2024-01-24. Review status: criteria provided, single submitter. Criteria: ACMG Guidelines, 2015. Collection method: clinical testing. Allele origin: germline. Affected: no. Observed: 25 variant alleles.
Comment: This variant is classified as Benign based on local population frequency. This variant was detected in 26% of patients studied by a panel of primary immunodeficiencies. Number of patients: 25. Only high quality variants are reported.